The following is an entry in ClinVar:

ClinVar aggregate classification (germline): Uncertain significance (1 of 4 stars; one submission).

Conditions:
Inborn genetic diseases. Identifiers: MedGen C0950123, MeSH D030342.

Allele frequency attached by ClinVar (database versions not stated): gnomAD exomes below 0.00001.
gnomAD v4.1: 5 of 1,211,774 alleles (0.00041%); highest among the groups gnomAD compares: Non-Finnish European, 0.00056%; no homozygotes.

Submission:

Ambry Genetics
Classification: Uncertain significance for Inborn genetic diseases. Last evaluated: 2018-01-31. Review status: criteria provided, single submitter. Criteria: Ambry Variant Classification Scheme 2023. Collection method: clinical testing. Allele origin: germline.
Comment: The p.P356A variant (also known as c.1066C>G), located in coding exon 3 of the SLC16A2 gene, results from a C to G substitution at nucleotide position 1066. The proline at codon 356 is replaced by alanine, an amino acid with highly similar properties. This amino acid position is highly conserved in available vertebrate species. In addition, this alteration is predicted to be and by PolyPhen and SIFT in silico analyses, respectively. Since supporting evidence is limited at this time, the clinical significance of this alteration remains unclear.

NM_006517.5(SLC16A2):c.844C>G (p.Pro282Ala)

Gene: SLC16A2 (solute carrier family 16 member 2; plus strand). Cytogenetic location: Xq13.2.
Variant type: single nucleotide variant.
Coding change: c.844C>G on transcript NM_006517.5 (MANE Select); coding-DNA position 844, C replaced by G.
Protein change: p.Pro282Ala; replaces proline 282 with alanine.
Molecular consequence: missense variant.
Genome position (GRCh38, 1-based): chrX:74,524,627, C>G. VCF-style: chrX-74524627-C-G. GRCh37 (hg19) VCF-style: chrX-73744462-C-G.
Other names: short protein forms P282A.
Identifiers: ClinVar variation 1781860 (VCV001781860.2), dbSNP rs2519806702, ClinGen allele CA413657411.